The following is an entry in ClinVar:

ClinVar aggregate classification (germline): Benign (0 of 4 stars; one submission).

Conditions:
DNAH17-related disorder. Also called: DNAH17-related condition.

Allele frequency attached by ClinVar (database versions not stated): gnomAD 0.00317; ESP Exome Variant Server 0.00326; TOPMed 0.00361; 1000 Genomes Project 0.00399; 1000 Genomes Project 30x 0.00406.
gnomAD v4.1: 919 of 1,613,526 alleles (0.057%); highest among the groups gnomAD compares: African/African-American, 1.1%; 6 homozygotes.

Submission:

PreventionGenetics, part of Exact Sciences
Classification: Benign for DNAH17-related condition. Last evaluated: 2019-12-23. Review status: no assertion criteria provided. Collection method: clinical testing. Allele origin: germline.
Comment: This variant is classified as benign based on ACMG/AMP sequence variant interpretation guidelines (Richards et al. 2015 PMID: 25741868, with internal and published modifications).

NM_173628.4(DNAH17):c.3192C>T (p.Cys1064=)

Gene: DNAH17 (dynein axonemal heavy chain 17; minus strand). Cytogenetic location: 17q25.3.
Variant type: single nucleotide variant.
Coding change: c.3192C>T on transcript NM_173628.4 (MANE Select); coding-DNA position 3192, C replaced by T.
Protein change: p.Cys1064=; no amino-acid change (cysteine 1064 retained).
Molecular consequence: synonymous variant.
Genome position (GRCh38, 1-based): chr17:78,530,435, G>A on the plus strand (C>T on the coding strand, the complement: DNAH17 is on the minus strand). VCF-style: chr17-78530435-G-A. GRCh37 (hg19) VCF-style: chr17-76526517-G-A.
Identifiers: ClinVar variation 3052404 (VCV003052404.2), dbSNP rs186420030, ClinGen allele CA8804306.